The following is an entry in ClinVar:

ClinVar aggregate classification (germline): Likely pathogenic (1 of 4 stars; one submission).

Allele frequency attached by ClinVar (database versions not stated): gnomAD exomes below 0.00001.
gnomAD v4.1: 1 of 1,613,864 alleles (0.000062%); highest among the groups gnomAD compares: East Asian, 0.0022%; no homozygotes.

Submission:

Labcorp Genetics (formerly Invitae), Labcorp
Classification: Likely pathogenic. Last evaluated: 2021-03-26. Review status: criteria provided, single submitter. Criteria: Invitae Variant Classification Sherloc (09022015). Collection method: clinical testing. Allele origin: germline.
Comment: This variant has not been reported in the literature in individuals with ARMC9-related conditions. In summary, the currently available evidence indicates that the variant is pathogenic, but additional data are needed to prove that conclusively. Therefore, this variant has been classified as Likely Pathogenic. This variant is not present in population databases (ExAC no frequency). This sequence change affects a donor splice site in intron 11 of the ARMC9 gene. It is expected to disrupt RNA splicing. Variants that disrupt the donor or acceptor splice site typically lead to a loss of protein function (PMID: 16199547), and loss-of-function variants in ARMC9 are known to be pathogenic (PMID: 28625504).

Literature cited by the submitters: PubMed 16199547; PubMed 28625504.

NM_001352754.2(ARMC9):c.1119+1G>A

Gene: ARMC9 (armadillo repeat containing 9; plus strand). Cytogenetic location: 2q37.1.
Variant type: single nucleotide variant.
Coding change: c.1119+1G>A on transcript NM_001352754.2 (MANE Select); the canonical splice donor site of the intron after coding-DNA position 1119, G replaced by A.
Molecular consequence: splice donor variant.
Genome position (GRCh38, 1-based): chr2:231,262,399, G>A. VCF-style: chr2-231262399-G-A. GRCh37 (hg19) VCF-style: chr2-232127112-G-A.
Other names: c.1119+1G>A (NM_001271466.4, NM_001352755.2, NM_001352756.2 and 3 more transcripts); c.1020+1G>A (NM_001352757.2, NM_001352758.2).
Identifiers: ClinVar variation 1465530 (VCV001465530.6), dbSNP rs1190417376, ClinGen allele CA350956456.